The following is an entry in ClinVar:

ClinVar aggregate classification (germline): Pathogenic (1 of 4 stars; one submission).

Submission:

Labcorp Genetics (formerly Invitae), Labcorp
Classification: Pathogenic. Last evaluated: 2019-08-20. Review status: criteria provided, single submitter. Criteria: Invitae Variant Classification Sherloc (09022015). Collection method: clinical testing. Allele origin: germline.
Comment: For these reasons, this variant has been classified as Pathogenic. Loss-of-function variants in LOXHD1 are known to be pathogenic (PMID: 19732867, 21465660, 25792669). This variant has not been reported in the literature in individuals with LOXHD1-related conditions. This variant is not present in population databases (ExAC no frequency). This sequence change creates a premature translational stop signal (p.Thr297Argfs*62) in the LOXHD1 gene. It is expected to result in an absent or disrupted protein product.

Literature cited by the submitters: PubMed 19732867; PubMed 21465660; PubMed 25792669.

NM_001384474.1(LOXHD1):c.888del (p.Thr297fs)

Gene: LOXHD1 (lipoxygenase homology PLAT domains 1; minus strand). Cytogenetic location: 18q21.1.
Variant type: Deletion.
Coding change: c.888del on transcript NM_001384474.1 (MANE Select); coding-DNA position 888, one base deleted (T; older notation c.888delT).
Protein change: p.Thr297fs; shifts the reading frame from threonine 297.
Molecular consequence: frameshift variant.
Genome position (GRCh38, 1-based): chr18:46,601,463, A deleted on the plus strand (T on the coding strand, the reverse complement: LOXHD1 is on the minus strand); the first of 2 consecutive A bases (chr18:46,601,463-46,601,464); deleting either gives the same sequence. VCF-style (leftmost placement, unchanged base first): chr18-46601462-TA-T. GRCh37 (hg19) VCF-style: chr18-44181425-TA-T.
Other names: c.888del, p.Thr297fs (NM_144612.7); short protein forms T297fs.
Identifiers: ClinVar variation 957738 (VCV000957738.7), dbSNP rs2038338161, ClinGen allele CA1139666055.